The following is an entry in ClinVar:

ClinVar aggregate classification (germline): Likely pathogenic (1 of 4 stars; one submission).

Conditions:
Neurofibromatosis, type 1 (NF1). Also called: Peripheral type neurofibromatosis; NEUROFIBROMATOSIS, TYPE I, SOMATIC; VON RECKLINGHAUSEN DISEASE; Neurofibromatosis, type I. Identifiers: Orphanet 636, MedGen C0027831, MONDO:0018975, OMIM 162200. Disease mechanism: loss of function.

Submission:

Labcorp Genetics (formerly Invitae), Labcorp
Classification: Likely pathogenic for Neurofibromatosis, type 1. Last evaluated: 2024-12-18. Review status: criteria provided, single submitter. Criteria: Invitae Variant Classification Sherloc (09022015). Collection method: clinical testing. Allele origin: germline.
Comment: This variant, c.2137_2145del, results in the deletion of 3 amino acid(s) of the NF1 protein (p.Leu713_Glu715del), but otherwise preserves the integrity of the reading frame. This variant is not present in population databases (gnomAD no frequency). This variant has been observed in individual(s) with clinical features of neurofibromatosis type 1 (internal data). In at least one individual the variant was observed to be de novo. ClinVar contains an entry for this variant (Variation ID: 2745745). Experimental studies and prediction algorithms are not available or were not evaluated, and the functional significance of this variant is currently unknown. In summary, the currently available evidence indicates that the variant is pathogenic, but additional data are needed to prove that conclusively. Therefore, this variant has been classified as Likely Pathogenic.

NM_001042492.3(NF1):c.2137_2145del (p.Leu713_Glu715del)

Gene: NF1 (neurofibromin 1; plus strand). Cytogenetic location: 17q11.2.
Variant type: Deletion.
Coding change: c.2137_2145del on transcript NM_001042492.3 (MANE Select); coding-DNA positions 2137 to 2145, 9 bases deleted (CTCTGTGAG; older notation c.2137_2145delCTCTGTGAG).
Protein change: p.Leu713_Glu715del.
Molecular consequence: inframe deletion. On other transcripts: inframe indel (1).
Genome position (GRCh38, 1-based): chr17:31,226,570-31,226,578, CTCTGTGAG deleted. VCF-style (leftmost placement, unchanged base first): chr17-31226569-CCTCTGTGAG-C. GRCh37 (hg19) VCF-style: chr17-29553587-CCTCTGTGAG-C.
Other names: c.2137_2145delCTCTGTGAG, p.Leu713_Glu715del (NM_000267.4).
Identifiers: ClinVar variation 2745745 (VCV002745745.3), dbSNP rs2508156785, ClinGen allele CA2697559712.